The following is an entry in ClinVar:

GRCh37/hg19 17q11.2(chr17:29614501-29663397)x1

Genes: EVI2A (ecotropic viral integration site 2A; minus strand), EVI2B (ecotropic viral integration site 2B; minus strand), NF1 (neurofibromin 1; plus strand), OMG (oligodendrocyte myelin glycoprotein; minus strand). Cytogenetic location: 17q11.2.
Variant type: copy number loss.
Change: copy number 1 (one copy instead of two) of chr17:29,614,501-29,663,397 (48.9 kb, GRCh37 coordinates, 1-based), cytogenetic band 17q11.2.
Identifiers: ClinVar variation 4682912 (VCV004682912.1).

ClinVar aggregate classification (germline): Pathogenic (1 of 4 stars; one submission).

Submission:

Quest Diagnostics Nichols Institute San Juan Capistrano
Classification: Pathogenic. Last evaluated: 2024-09-10. Review status: criteria provided, single submitter. Criteria: ACMG/ClinGen CNV Guidelines, 2019. Collection method: clinical testing. Allele origin: unknown.
Comment: This loss involves at least four protein-coding genes, including an intragenic portion of NF1 (OMIM 613113). Haploinsufficiency of NF1 is associated with autosomal dominant neurofibromatosis type I (NF1; OMIM 162200; HGNC 7765; Friedman, 2022 Hsiao 2015, N Abdel-Aziz 2021, Imbard 2015). There are no similar copy number losses of this region in the general populations of the Database of Genomic Variants. Therefore, this copy number variant (CNV) is classified as pathogenic. References: Friedman et al., GeneReviews. [2022 Apr 21]. PMID: 20301288 Hsiao et al., Am J Hum Genet. 2015 Aug 6;97(2):238-49. PMID: 26189818 Imbard et al., J Hum Genet. 2015 Apr;60(4):221-4. PMID: 25631097 N Abdel-Aziz et al., Mol Genet Genomic Med. 2021 Dec;9(12):e1631. PMID: 34080803